The following is an entry in ClinVar:

NM_000550.3(TYRP1):c.287A>T (p.Asn96Ile)

Gene: TYRP1 (tyrosinase related protein 1; plus strand). Cytogenetic location: 9p23.
Variant type: single nucleotide variant.
Coding change: c.287A>T on transcript NM_000550.3 (MANE Select); coding-DNA position 287, A replaced by T.
Protein change: p.Asn96Ile; replaces asparagine 96 with isoleucine.
Molecular consequence: missense variant.
Genome position (GRCh38, 1-based): chr9:12,694,283, A>T. VCF-style: chr9-12694283-A-T. GRCh37 (hg19) VCF-style: chr9-12694283-A-T.
Other names: short protein forms N96I.
Identifiers: ClinVar variation 1944361 (VCV001944361.5), dbSNP rs775780562, ClinGen allele CA372936742.
Genomic context (GRCh38, chr9:12,694,283, plus strand): 5'-GCCCTCAGTATCCCCATGATGGCAGAGATGATCGGGAGGTCTGGCCCTTGCGCTTCTTCA[A>T]TAGGACATGTCACTGCAACGGCAATTTCTCAGGACACAACTGTGGGACGTGCCGTCCTGG-3'
Protein context (NP_000541.1, residues 86-106): DREVWPLRFF[Asn96Ile]RTCHCNGNFS

ClinVar aggregate classification (germline): Uncertain significance (1 of 4 stars; one submission).

Allele frequency attached by ClinVar (database versions not stated): gnomAD exomes below 0.00001.
gnomAD v4.1: 1 of 1,613,930 alleles (0.000062%); highest among the groups gnomAD compares: Non-Finnish European, 0.000085%; no homozygotes.

Submission:

Labcorp Genetics (formerly Invitae), Labcorp
Classification: Uncertain significance. Last evaluated: 2022-08-21. Review status: criteria provided, single submitter. Criteria: Invitae Variant Classification Sherloc (09022015). Collection method: clinical testing. Allele origin: germline.
Comment: In summary, the available evidence is currently insufficient to determine the role of this variant in disease. Therefore, it has been classified as a Variant of Uncertain Significance. Algorithms developed to predict the effect of missense changes on protein structure and function are either unavailable or do not agree on the potential impact of this missense change (SIFT: "Deleterious"; PolyPhen-2: "Benign"; Align-GVGD: "Class C0"). This variant has not been reported in the literature in individuals affected with TYRP1-related conditions. This variant is not present in population databases (gnomAD no frequency). This sequence change replaces asparagine, which is neutral and polar, with isoleucine, which is neutral and non-polar, at codon 96 of the TYRP1 protein (p.Asn96Ile).